The following is an entry in ClinVar:

ClinVar aggregate classification (germline): Likely benign. Review status: criteria provided, single submitter (1 of 4 stars). 2 submissions from 2 submitters: Likely benign (1). 1 of the submissions does not count toward it. Last evaluated 2025-10-23.

Conditions:
Idiopathic generalized epilepsy. Also called: EIG; Generalised epilepsy. Identifiers: MedGen C0270850, MONDO:0005579, OMIM 600669.
RBFOX3-related disorder. Also called: RBFOX3-related condition.

Allele frequency attached by ClinVar (database versions not stated): gnomAD 0.00003; gnomAD exomes 0.00003; TOPMed 0.00004.

Submissions (2):

Labcorp Genetics (formerly Invitae), Labcorp
Classification: Likely benign for Idiopathic generalized epilepsy. Last evaluated: 2025-10-23. Review status: criteria provided, single submitter. Criteria: Invitae Variant Classification Sherloc (09022015). Collection method: clinical testing. Allele origin: germline.

PreventionGenetics, part of Exact Sciences
Classification: Likely benign for RBFOX3-related condition. Last evaluated: 2019-03-06. Review status: no assertion criteria provided. Collection method: clinical testing. Allele origin: germline. Not counted in ClinVar's aggregate classification.
Comment: This variant is classified as likely benign based on ACMG/AMP sequence variant interpretation guidelines (Richards et al. 2015 PMID: 25741868, with internal and published modifications).

NM_001350451.2(RBFOX3):c.390C>A (p.Ile130=)

Gene: RBFOX3 (RNA binding fox-1 homolog 3; minus strand). Cytogenetic location: 17q25.3.
Variant type: single nucleotide variant.
Coding change: c.390C>A on transcript NM_001350451.2 (MANE Select); coding-DNA position 390, C replaced by A.
Protein change: p.Ile130=; no amino-acid change (isoleucine 130 retained).
Molecular consequence: synonymous variant. On other transcripts: intron variant (1).
Genome position (GRCh38, 1-based): chr17:79,104,097, G>T on the plus strand (C>A on the coding strand, the complement: RBFOX3 is on the minus strand). VCF-style: chr17-79104097-G-T. GRCh37 (hg19) VCF-style: chr17-77100179-G-T.
Other names: c.390C>A, p.Ile130= (NM_001082575.3, NM_001350453.2, NM_001385804.1 and 35 more transcripts); c.387C>A, p.Ile129= (NM_001385806.1, NM_001385822.1, NM_001385823.1 and 4 more transcripts); c.361-2453C>A (NM_001385847.1).
Identifiers: ClinVar variation 3046473 (VCV003046473.3), dbSNP rs974381564, ClinGen allele CA294791300.
Genomic context (GRCh38, chr17:79,104,097, plus strand): 5'-CGGCGCTGTAAGGCGGCAGCTCCGTGCGGCACCCACCTTGGAGCCCCGCTCGTTAAAAAT[G>T]ATCTCCACGTCTAAAATTTTTCCGAATTGCTGCAGAGACAGAGACAAAGAGGGAGTGGGG-3'
Protein context (NP_001337380.1, residues 120-140): GQFGKILDVE[Ile130=]IFNERGSKGF